The following is an entry in ClinVar:

NM_005654.6(NR2F1):c.413G>A (p.Cys138Tyr)

Genes: NR2F1-AS1 (NR2F1 regulatory antisense RNA 1; minus strand), NR2F1 (nuclear receptor subfamily 2 group F member 1; plus strand). Cytogenetic location: 5q15.
Variant type: single nucleotide variant.
Coding change: c.413G>A on transcript NM_005654.6 (MANE Select); coding-DNA position 413, G replaced by A.
Protein change: p.Cys138Tyr; replaces cysteine 138 with tyrosine.
Molecular consequence: missense variant.
Genome position (GRCh38, 1-based): chr5:93,585,436, G>A. VCF-style: chr5-93585436-G-A. GRCh37 (hg19) VCF-style: chr5-92921142-G-A.
Other names: short protein forms C138Y.
Identifiers: ClinVar variation 375371 (VCV000375371.1), dbSNP rs1057519434, ClinGen allele CA16044221.

ClinVar aggregate classification (germline): Pathogenic (0 of 4 stars; one submission).

Conditions:
Bosch-Boonstra-Schaaf optic atrophy syndrome (BBSOAS). Also called: NR2F1-Related Neurodevelopmental Disorder. Identifiers: Orphanet 401777, MedGen C3810363, MONDO:0014320, OMIM 615722.

Submission:

Lupski Lab, Baylor-Hopkins CMG, Baylor College of Medicine
Classification: Pathogenic for Bosch-Boonstra-Schaaf optic atrophy syndrome. Review status: no assertion criteria provided. Collection method: research. Allele origin: de novo. Inheritance: Autosomal dominant inheritance. Affected: yes.